The following is an entry in ClinVar:

ClinVar aggregate classification (germline): Uncertain significance. Review status: criteria provided, multiple submitters, no conflicts (2 of 4 stars). 3 submissions from 3 submitters: Uncertain significance (2). 1 of the submissions does not count toward it. Last evaluated 2026-01-26.

Conditions:
Polyglandular autoimmune syndrome, type 1 (APS1). Also called: Autoimmune polyendocrinopathy syndrome, type I; Autoimmune polyendocrinopathy syndrome , type I, with or without reversible metaphyseal dysplasia; Autoimmune polyendocrine syndrome type 1; Whitaker syndrome; HYPOADRENOCORTICISM WITH HYPOPARATHYROIDISM AND SUPERFICIAL MONILIASIS; PGA I. Identifiers: Orphanet 3453, MedGen C0085859, MONDO:0009411, OMIM 240300.

Allele frequency attached by ClinVar (database versions not stated): ExAC 0.00017; gnomAD 0.00025 and 0.00028; TOPMed 0.00034; ESP Exome Variant Server 0.00077.
gnomAD v4.1: 422 of 1,602,588 alleles (0.026%); highest among the groups gnomAD compares: Non-Finnish European, 0.031%; no homozygotes.

Submissions (3):

Labcorp Genetics (formerly Invitae), Labcorp
Classification: Uncertain significance for Polyglandular autoimmune syndrome, type 1. Last evaluated: 2026-01-26. Review status: criteria provided, single submitter. Criteria: Invitae Variant Classification Sherloc (09022015). Collection method: clinical testing. Allele origin: germline.
Comment: This sequence change replaces arginine, which is basic and polar, with tryptophan, which is neutral and slightly polar, at codon 328 of the AIRE protein (p.Arg328Trp). This variant is present in population databases (rs74162063, gnomAD 0.03%). This variant has not been reported in the literature in individuals affected with AIRE-related conditions. ClinVar contains an entry for this variant (Variation ID: 964804). Invitae Evidence Modeling of protein sequence and biophysical properties (such as structural, functional, and spatial information, amino acid conservation, physicochemical variation, residue mobility, and thermodynamic stability) indicates that this missense variant is not expected to disrupt AIRE protein function with a negative predictive value of 95%. In summary, the available evidence is currently insufficient to determine the role of this variant in disease. Therefore, it has been classified as a Variant of Uncertain Significance.

Fulgent Genetics
Classification: Uncertain significance for Polyglandular autoimmune syndrome, type 1. Last evaluated: 2021-07-28. Review status: criteria provided, single submitter. Criteria: ACMG Guidelines, 2015. Collection method: clinical testing. Allele origin: unknown.

Natera, Inc.
Classification: Uncertain significance for Polyglandular autoimmune syndrome type 1. Last evaluated: 2020-01-24. Review status: no assertion criteria provided. Collection method: clinical testing. Allele origin: germline. Not counted in ClinVar's aggregate classification.

NM_000383.4(AIRE):c.982C>T (p.Arg328Trp)

Gene: AIRE (autoimmune regulator; plus strand). Cytogenetic location: 21q22.3.
Variant type: single nucleotide variant.
Coding change: c.982C>T on transcript NM_000383.4 (MANE Select); coding-DNA position 982, C replaced by T.
Protein change: p.Arg328Trp; replaces arginine 328 with tryptophan.
Molecular consequence: missense variant.
Genome position (GRCh38, 1-based): chr21:44,291,197, C>T. VCF-style: chr21-44291197-C-T. GRCh37 (hg19) VCF-style: chr21-45711080-C-T.
Other names: short protein forms R328W.
Identifiers: ClinVar variation 964804 (VCV000964804.9), dbSNP rs74162063, ClinGen allele CA10051867.
Genomic context (GRCh38, chr21:44,291,197, plus strand): 5'-CTCATCTGCTGTGACGGCTGCCCTCGGGCCTTCCACCTGGCCTGCCTGTCCCCTCCGCTC[C>T]GGGAGATCCCCAGGTGAGCCTGCACCTCTGCCAGCGCAACCAGGCCACCCCGGTTCACGG-3'
Protein context (NP_000374.1, residues 318-338): FHLACLSPPL[Arg328Trp]EIPSGTWRCS